The following is an entry in ClinVar:

NM_199420.4(POLQ):c.2542G>A (p.Glu848Lys)

Gene: POLQ (DNA polymerase theta; minus strand). Cytogenetic location: 3q13.33.
Variant type: single nucleotide variant.
Coding change: c.2542G>A on transcript NM_199420.4 (MANE Select); coding-DNA position 2542, G replaced by A.
Protein change: p.Glu848Lys; replaces glutamic acid 848 with lysine.
Molecular consequence: missense variant.
Genome position (GRCh38, 1-based): chr3:121,490,389, C>T on the plus strand (G>A on the coding strand, the complement: POLQ is on the minus strand). VCF-style: chr3-121490389-C-T. GRCh37 (hg19) VCF-style: chr3-121209236-C-T.
Other names: short protein forms E848K.
Identifiers: ClinVar variation 1792848 (VCV001792848.2), dbSNP rs2546788556, ClinGen allele CA354105962.

ClinVar aggregate classification (germline): Uncertain significance (1 of 4 stars; one submission).

Allele frequency attached by ClinVar (database versions not stated): gnomAD exomes below 0.00001.
gnomAD v4.1: 6 of 1,614,122 alleles (0.00037%); highest among the groups gnomAD compares: Non-Finnish European, 0.00051%; no homozygotes.

Submission:

Ambry Genetics
Classification: Uncertain significance. Last evaluated: 2022-03-08. Review status: criteria provided, single submitter. Criteria: Ambry Variant Classification Scheme 2023. Collection method: clinical testing. Allele origin: germline.
Comment: The p.E848K variant (also known as c.2542G>A), located in coding exon 16 of the POLQ gene, results from a G to A substitution at nucleotide position 2542. The glutamic acid at codon 848 is replaced by lysine, an amino acid with similar properties. This amino acid position is conserved. In addition, the in silico prediction for this alteration is inconclusive. Since supporting evidence is limited at this time, the clinical significance of this alteration remains unclear.